The following is an entry in ClinVar:

NM_001042724.2(NECTIN2):c.1211C>T (p.Pro404Leu)

Gene: NECTIN2 (nectin cell adhesion molecule 2; plus strand). Cytogenetic location: 19q13.32.
Variant type: single nucleotide variant.
Coding change: c.1211C>T on transcript NM_001042724.2 (MANE Select); coding-DNA position 1211, C replaced by T.
Protein change: p.Pro404Leu; replaces proline 404 with leucine.
Molecular consequence: missense variant.
Genome position (GRCh38, 1-based): chr19:44,885,951, C>T. VCF-style: chr19-44885951-C-T. GRCh37 (hg19) VCF-style: chr19-45389208-C-T.
Other names: short protein forms P404L.
Identifiers: ClinVar variation 3045229 (VCV003045229.2), dbSNP rs571919329, ClinGen allele CA9505424.
Genomic context (GRCh38, chr19:44,885,951, plus strand): 5'-GATGCCTGGGTCTTAATCTCCACTTGTCCTACCTCCTACCCCACAGCCTGGAGGGACCTC[C>T]CTCCTACAAGCCACCGACCCCAAAAGCGAAGCTGGAGGCACAGGAGATGGTGAGCACTTT-3'
Protein context (NP_001036189.1, residues 394-414): AEEDEDLEGP[Pro404Leu]SYKPPTPKAK

ClinVar aggregate classification (germline): Likely benign (0 of 4 stars; one submission).

Conditions:
NECTIN2-related disorder. Also called: NECTIN2-related condition.

Allele frequency attached by ClinVar (database versions not stated): TOPMed 0.00002; gnomAD 0.00018; gnomAD exomes 0.00035; ExAC 0.00075; 1000 Genomes Project 30x 0.00156; 1000 Genomes Project 0.00200.
gnomAD v4.1: 529 of 1,593,296 alleles (0.033%); highest among the groups gnomAD compares: South Asian, 0.55%; 9 homozygotes.

Submission:

PreventionGenetics, part of Exact Sciences
Classification: Likely benign for NECTIN2-related condition. Last evaluated: 2021-05-17. Review status: no assertion criteria provided. Collection method: clinical testing. Allele origin: germline.
Comment: This variant is classified as likely benign based on ACMG/AMP sequence variant interpretation guidelines (Richards et al. 2015 PMID: 25741868, with internal and published modifications).